The following is an entry in ClinVar:

ClinVar aggregate classification (germline): Uncertain significance (1 of 4 stars; one submission).

gnomAD v4.1: 1 of 1,611,186 alleles (0.000062%); no homozygotes.

Submission:

Labcorp Genetics (formerly Invitae), Labcorp
Classification: Uncertain significance. Last evaluated: 2022-05-04. Review status: criteria provided, single submitter. Criteria: Invitae Variant Classification Sherloc (09022015). Collection method: clinical testing. Allele origin: germline.
Comment: This sequence change falls in intron 17 of the ARMC9 gene. It does not directly change the encoded amino acid sequence of the ARMC9 protein. It affects a nucleotide within the consensus splice site. This variant is not present in population databases (gnomAD no frequency). This variant has not been reported in the literature in individuals affected with ARMC9-related conditions. Variants that disrupt the consensus splice site are a relatively common cause of aberrant splicing (PMID: 17576681, 9536098). Experimental studies and prediction algorithms are not available or were not evaluated, and the effect of this variant on mRNA splicing is currently unknown. In summary, the available evidence is currently insufficient to determine the role of this variant in disease. Therefore, it has been classified as a Variant of Uncertain Significance.

Literature cited by the submitters: PubMed 17576681; PubMed 9536098.

NM_001352754.2(ARMC9):c.1718-3T>C

Gene: ARMC9 (armadillo repeat containing 9; plus strand). Cytogenetic location: 2q37.1.
Variant type: single nucleotide variant.
Coding change: c.1718-3T>C on transcript NM_001352754.2 (MANE Select); 3 bases into the intron before coding-DNA position 1718, T replaced by C.
Molecular consequence: intron variant.
Genome position (GRCh38, 1-based): chr2:231,296,195, T>C. VCF-style: chr2-231296195-T-C. GRCh37 (hg19) VCF-style: chr2-232160908-T-C.
Other names: c.1718-3T>C (NM_001271466.4, NM_001352755.2, NM_001352756.2 and 3 more transcripts); c.1619-3T>C (NM_001352757.2, NM_001352758.2).
Identifiers: ClinVar variation 2132661 (VCV002132661.1), dbSNP rs2469852083, ClinGen allele CA2580065983.
Genomic context (GRCh38, chr2:231,296,195, plus strand): 5'-GATTCTGTGGACCAAGGCTCCCACTGTTTATCCATTATTCATTGATTCTTTTTTTCTTTA[T>C]AGAAGAGCTACCAGATGGTGTTCTTGAATCTGATGATGATGAAGATGAAGATGATGAAGT-3'